The following is an entry in ClinVar:

NM_001163435.3(TBCK):c.2091dup (p.Ile698fs)

Gene: TBCK (TBC1 domain containing kinase; minus strand). Cytogenetic location: 4q24.
Variant type: Duplication.
Coding change: c.2091dup on transcript NM_001163435.3 (MANE Select); coding-DNA position 2091, one base duplicated (T; older notation c.2091dupT).
Protein change: p.Ile698fs; shifts the reading frame from isoleucine 698.
Molecular consequence: frameshift variant.
Genome position (GRCh38, 1-based): chr4:106,171,239, A duplicated on the plus strand (T on the coding strand, the reverse complement: TBCK is on the minus strand). VCF-style (leftmost placement, unchanged base first): chr4-106171238-T-TA. GRCh37 (hg19) VCF-style: chr4-107092395-T-TA.
Other names: NM_001163435.3(TBCK):c.2091dup; p.Ile698fs; c.2091dup, p.Ile698fs (NM_001163436.4); c.1974dup, p.Ile659fs (NM_001163437.3); c.1575dup, p.Ile526fs (NM_001290768.2); c.1902dup, p.Ile635fs (NM_033115.5); short protein forms I526fs, I635fs, I659fs, I698fs.
Identifiers: ClinVar variation 986131 (VCV000986131.6), dbSNP rs1750971659, ClinGen allele CA1139658595.

ClinVar aggregate classification (germline): Pathogenic. Review status: criteria provided, multiple submitters, no conflicts (2 of 4 stars). 3 submissions from 3 submitters: Pathogenic (3). Last evaluated 2025-08-03.

Conditions:
Hypotonia, infantile, with psychomotor retardation and characteristic facies 3 (IHPRF3). Also called: TBCK-Related Neurodevelopmental Disorder. Identifiers: Orphanet 488632, MedGen C5567480, MONDO:0014823, OMIM 616900.
Inborn genetic diseases. Identifiers: MedGen C0950123, MeSH D030342.

Allele frequency attached by ClinVar (database versions not stated): gnomAD exomes below 0.00001; TOPMed 0.00001.

Submissions (3):

Labcorp Genetics (formerly Invitae), Labcorp
Classification: Pathogenic. Last evaluated: 2025-08-03. Review status: criteria provided, single submitter. Criteria: Invitae Variant Classification Sherloc (09022015). Collection method: clinical testing. Allele origin: germline.
Comment: This sequence change creates a premature translational stop signal (p.Ile698Tyrfs*9) in the TBCK gene. It is expected to result in an absent or disrupted protein product. Loss-of-function variants in TBCK are known to be pathogenic (PMID: 27040692, 30103036). This variant is not present in population databases (gnomAD no frequency). This premature translational stop signal has been observed in individual(s) with TBCK-related conditions (PMID: 32959227). ClinVar contains an entry for this variant (Variation ID: 986131). For these reasons, this variant has been classified as Pathogenic.

Broad Center for Mendelian Genomics, Broad Institute of MIT and Harvard
Classification: Pathogenic for Hypotonia, infantile, with psychomotor retardation and characteristic facies 3. Last evaluated: 2025-01-13. Review status: criteria provided, single submitter. Criteria: ACMG Guidelines, 2015. Collection method: curation. Allele origin: germline. Inheritance: Autosomal recessive inheritance.
Comment: The p.Ile698TyrfsTer9 variant in TBCK has been reported, in the compound heterozygous state, in 1 individual with TBCK-related intellectual disability syndrome (PMID: 32959227), and has been identified in 0.00008% (1/1178980) of European (non-Finnish) chromosomes by the Genome Aggregation Database (gnomAD; dbSNP rs1750971659). Although this variant has been seen in the general population in a heterozygous state, its frequency is low enough to be consistent with a recessive carrier frequency. This variant has also been reported in ClinVar (Variation ID: 986131) and has been interpreted as pathogenic by Ambry Genetics. This variant is predicted to cause a frameshift, which alters the protein‚Äôs amino acid sequence beginning at position 698 and leads to a premature termination codon 9 amino acids downstream. This alteration is then predicted to lead to a truncated or absent protein. Loss of function of the TBCK gene is an established disease mechanism in autosomal recessive TBCK-related intellectual disability syndrome. In summary, this variant meets criteria to be classified as pathogenic for autosomal recessive TBCK-related intellectual disability syndrome. ACMG/AMP Criteria applied: PVS1, PM3, PM2_supporting (Richards 2015).

Ambry Genetics
Classification: Pathogenic for Inborn genetic diseases. Last evaluated: 2017-12-28. Review status: criteria provided, single submitter. Criteria: Ambry exome assertion method (8-5-2015). Collection method: clinical testing. Allele origin: germline. Affected: yes. Observed: 1 variant allele.

Literature cited by the submitters: PubMed 27040692 (cited by Labcorp Genetics (formerly Invitae), Labcorp); PubMed 30103036 (cited by Labcorp Genetics (formerly Invitae), Labcorp); PubMed 32959227 (cited by Labcorp Genetics (formerly Invitae), Labcorp).